The following is an entry in ClinVar:

ClinVar aggregate classification (germline): Uncertain significance. Review status: criteria provided, multiple submitters, no conflicts (2 of 4 stars). 5 submissions from 4 submitters: Uncertain significance (5). Last evaluated 2026-08-25.

Conditions:
Usher syndrome type 1D (USH1D). Also called: USHER SYNDROME, TYPE ID. Identifiers: Orphanet 231169, Orphanet 886, MedGen C1832845, MONDO:0010984, OMIM 601067.
Autosomal recessive nonsyndromic hearing loss 12. Also called: DEAFNESS, AUTOSOMAL RECESSIVE 12. Identifiers: Orphanet 90636, MedGen C1832394, MONDO:0011067, OMIM 601386.
CDH23-related disorder. Also called: CDH23-related disorders; CDH23-related condition.

Allele frequency attached by ClinVar (database versions not stated): ExAC 0.00001; gnomAD exomes 0.00002 and 0.00004; gnomAD 0.00006; TOPMed 0.00007; ESP Exome Variant Server 0.00008.
gnomAD v4.1: 61 of 1,611,506 alleles (0.0038%); highest among the groups gnomAD compares: African/African-American, 0.0053%; no homozygotes.

Submissions (6):

PreventionGenetics, part of Exact Sciences
Classification: Uncertain significance for CDH23-related condition. Last evaluated: 2026-08-25. Review status: criteria provided, single submitter. Criteria: ACMG Guidelines, 2015. Collection method: clinical testing. Allele origin: germline.
Comment: The CDH23 c.2909C>T variant is predicted to result in the amino acid substitution p.Ala970Val. To our knowledge, this variant has not been reported in the literature. This variant is reported in 0.0085% of alleles in individuals of African descent in gnomAD. At this time, the clinical significance of this variant is uncertain due to the absence of conclusive functional and genetic evidence.

Blueprint Genetics
Classification: Uncertain significance. Last evaluated: 2023-06-13. Review status: criteria provided, single submitter. Criteria: ACMG Guidelines, 2015. Collection method: clinical testing. Allele origin: germline.

Labcorp Genetics (formerly Invitae), Labcorp
Classification: Uncertain significance. Last evaluated: 2022-10-05. Review status: criteria provided, single submitter. Criteria: Invitae Variant Classification Sherloc (09022015). Collection method: clinical testing. Allele origin: germline.
Comment: This sequence change replaces alanine, which is neutral and non-polar, with valine, which is neutral and non-polar, at codon 970 of the CDH23 protein (p.Ala970Val). This variant is present in population databases (rs202203105, gnomAD 0.008%). This variant has not been reported in the literature in individuals affected with CDH23-related conditions. ClinVar contains an entry for this variant (Variation ID: 880407). Advanced modeling of protein sequence and biophysical properties (such as structural, functional, and spatial information, amino acid conservation, physicochemical variation, residue mobility, and thermodynamic stability) performed at Invitae indicates that this missense variant is not expected to disrupt CDH23 protein function. Algorithms developed to predict the effect of sequence changes on RNA splicing suggest that this variant may create or strengthen a splice site. In summary, the available evidence is currently insufficient to determine the role of this variant in disease. Therefore, it has been classified as a Variant of Uncertain Significance.

Illumina Laboratory Services, Illumina
Classification: Uncertain significance for Usher syndrome type 1D. Last evaluated: 2018-01-13. Review status: criteria provided, single submitter. Criteria: ICSL Variant Classification Criteria 13 December 2019. Collection method: clinical testing. Allele origin: germline.

Illumina Laboratory Services, Illumina
Classification: Uncertain significance for Autosomal recessive nonsyndromic hearing loss 12. Last evaluated: 2018-01-13. Review status: criteria provided, single submitter. Criteria: ICSL Variant Classification Criteria 13 December 2019. Collection method: clinical testing. Allele origin: germline.

Dr. Peter K. Rogan Lab, Western University
No classification provided (evidence only). Condition: Ovarian serous cystadenocarcinoma. Review status: no classification provided. Collection method: in vitro. Allele origin: not applicable. Functional consequence: retained intron. Not counted in ClinVar's aggregate classification.

NM_022124.6(CDH23):c.2909C>T (p.Ala970Val)

Gene: CDH23 (cadherin related 23; plus strand). Cytogenetic location: 10q22.1.
Variant type: single nucleotide variant.
Coding change: c.2909C>T on transcript NM_022124.6 (MANE Select); coding-DNA position 2909, C replaced by T.
Protein change: p.Ala970Val; replaces alanine 970 with valine.
Molecular consequence: missense variant.
Genome position (GRCh38, 1-based): chr10:71,705,086, C>T. VCF-style: chr10-71705086-C-T. GRCh37 (hg19) VCF-style: chr10-73464843-C-T.
Other names: c.2909C>T, p.Ala970Val (NM_001171930.2, NM_001171931.2); short protein forms A970V.
Identifiers: ClinVar variation 880407 (VCV000880407.8), dbSNP rs202203105, ClinGen allele CA5544372.